The following is an entry in ClinVar:

ClinVar aggregate classification (germline): Uncertain significance (1 of 4 stars; one submission).

Submission:

Labcorp Genetics (formerly Invitae), Labcorp
Classification: Uncertain significance. Last evaluated: 2024-02-20. Review status: criteria provided, single submitter. Criteria: Invitae Variant Classification Sherloc (09022015). Collection method: clinical testing. Allele origin: germline.
Comment: This sequence change affects an acceptor splice site in intron 29 of the KIDINS220 gene. While this variant is not anticipated to result in nonsense mediated decay, it likely alters RNA splicing and results in a disrupted protein product. This variant is not present in population databases (gnomAD no frequency). Disruption of this splice site has been observed in individual(s) with clinical features of hereditary spastic paraplegia (Invitae). ClinVar contains an entry for this variant (Variation ID: 1380927). Variants that disrupt the consensus splice site are a relatively common cause of aberrant splicing (PMID: 17576681, 9536098). Algorithms developed to predict the effect of sequence changes on RNA splicing suggest that this variant may disrupt the consensus splice site. In summary, the available evidence is currently insufficient to determine the role of this variant in disease. Therefore, it has been classified as a Variant of Uncertain Significance.

Literature cited by the submitters: PubMed 17576681; PubMed 9536098.

NM_020738.4(KIDINS220):c.4054-1G>A

Gene: KIDINS220 (kinase D interacting substrate 220; minus strand). Cytogenetic location: 2p25.1.
Variant type: single nucleotide variant.
Coding change: c.4054-1G>A on transcript NM_020738.4 (MANE Select); the canonical splice acceptor site of the intron before coding-DNA position 4054, G replaced by A.
Molecular consequence: splice acceptor variant. On other transcripts: intron variant (6).
Genome position (GRCh38, 1-based): chr2:8,731,983, C>T on the plus strand (G>A on the coding strand, the complement: KIDINS220 is on the minus strand). VCF-style: chr2-8731983-C-T. GRCh37 (hg19) VCF-style: chr2-8872113-C-T.
Other names: c.3882+1461G>A (NM_001348741.2, NM_001348742.2, NM_001348743.2); c.3996+1461G>A (NM_001348738.2); c.3885+1461G>A (NM_001348739.2, NM_001348740.2); c.3883-1G>A (NM_001348735.2); c.3997-1G>A (NM_001348732.2); c.3886-1G>A (NM_001348734.2); c.4000-1G>A (NM_001348731.2); c.4057-1G>A (NM_001348729.2); and 1 more.
Identifiers: ClinVar variation 1380927 (VCV001380927.8), dbSNP rs2147947336, ClinGen allele CA345766277.